The following is an entry in ClinVar:

NM_005633.4(SOS1):c.755T>C (p.Ile252Thr)

Gene: SOS1 (SOS Ras/Rac guanine nucleotide exchange factor 1; minus strand). Cytogenetic location: 2p22.1.
Variant type: single nucleotide variant.
Coding change: c.755T>C on transcript NM_005633.4 (MANE Select); coding-DNA position 755, T replaced by C.
Protein change: p.Ile252Thr; replaces isoleucine 252 with threonine.
Molecular consequence: missense variant.
Genome position (GRCh38, 1-based): chr2:39,051,253, A>G on the plus strand (T>C on the coding strand, the complement: SOS1 is on the minus strand). VCF-style: chr2-39051253-A-G. GRCh37 (hg19) VCF-style: chr2-39278394-A-G.
Other names: c.734T>C, p.Ile245Thr (NM_001382394.1); c.755T>C, p.Ile252Thr (NM_001382395.1); short protein forms I252T, I245T.
Identifiers: ClinVar variation 496312 (VCV000496312.45), dbSNP rs142094234, ClinGen allele CA1624725.
Genomic context (GRCh38, chr2:39,051,253, plus strand): 5'-TCATCTGTCATTTCTACTGTATCTTCTATATGGCCCAGTAACTTTACACTAAGTTCATGT[A>G]TATCTACTATGCGACTAAATATATTTTCTACATCCTGTTTGGGGGAAAACACATTAATTC-3'
Protein context (NP_005624.2, residues 242-262): VENIFSRIVD[Ile252Thr]HELSVKLLGH

ClinVar aggregate classification (germline): Conflicting classifications of pathogenicity. Review status: criteria provided, conflicting classifications (1 of 4 stars). 12 submissions from 12 submitters: Likely pathogenic (2); Uncertain significance (9); Likely benign (1). Last evaluated 2026-09-23.

Conditions:
Cardiovascular phenotype. Identifiers: MedGen CN230736.
Noonan syndrome 4 (NS4). Also called: NOONAN SYNDROME WITH PIGMENTED VILLONODULAR SYNOVITIS; SOS1-Related Noonan Syndrome. Identifiers: Orphanet 648, MedGen C1853120, MONDO:0012547, OMIM 610733.
SOS1-related disorder. Also called: SOS1-related condition.
Noonan syndrome and Noonan-related syndrome. Identifiers: Orphanet 98733, MedGen C5681679, MONDO:0020297.
RASopathy. Also called: rasopathies; Noonan spectrum disorder. Identifiers: Orphanet 536391, MedGen C5555857, MONDO:0021060.
Fibromatosis, gingival, 1 (GINGF1). Identifiers: Orphanet 2024, MedGen C4551558, MONDO:0007609, OMIM 135300.

Allele frequency attached by ClinVar (database versions not stated): gnomAD 0.00002 and 0.00003; gnomAD exomes 0.00003 and 0.00008; TOPMed 0.00003; ExAC 0.00007; 1000 Genomes Project 30x 0.00016; 1000 Genomes Project 0.00020.
gnomAD v4.1: 57 of 1,611,604 alleles (0.0035%); highest among the groups gnomAD compares: Admixed American, 0.018%; no homozygotes.

Submissions 1 to 9 of 12:

PreventionGenetics, part of Exact Sciences
Classification: Uncertain significance for SOS1-related condition. Last evaluated: 2026-09-23. Review status: criteria provided, single submitter. Criteria: ACMG Guidelines, 2015. Collection method: clinical testing. Allele origin: germline.
Comment: The SOS1 c.755T>C variant is predicted to result in the amino acid substitution p.Ile252Thr. This variant has been reported in multiple individuals with clinical features of Noonan syndrome, often associated with a relatively mild presentation (Lepri et al. 2011, PubMed ID: 21387466; Lepri et al. 2014, PubMed ID: 24451042; Moncini et al. 2015, PubMed ID: 25712082; Baban et al. 2019, PubMed ID: 31368652). It has also been reported de novo in an individual with non-syndromic hearing loss, although additional phenotype information was not provided (Ramzan et al. 2023, PubMed ID: 37217689). In addition, it has been reported in the heterozygous state in an individual with developmental delay, mild intellectual disability, schizophrenia, strabismus, and dysmorphic ears (Patient ROH34 in Table 2 and Additional File 2, Prasad et al. 2018, PubMed ID: 29554876); however, this patient also carried a ~2.54 Mb 22q11.21 deletion associated with DiGeorge syndrome, which could account for the reported phenotype. In vitro studies of the p.Ile252Thr variant have been largely inconclusive, showing either no clear functional impact or mild activation of RAS-ERK signaling (Smith et al. 2013, PubMed ID: 23487764; Moncini et al. 2015, PubMed ID: 25712082). This variant is reported in 0.026% of alleles in Latino individuals in gnomAD, which is more frequent than other known pathogenic variants in SOS1. At present, the clinical significance of this variant is uncertain due to the lack of conclusive functional and genetic evidence.

Labcorp Genetics (formerly Invitae), Labcorp
Classification: Likely pathogenic for RASopathy. Last evaluated: 2026-01-06. Review status: criteria provided, single submitter. Criteria: Invitae Variant Classification Sherloc (09022015). Collection method: clinical testing. Allele origin: germline.
Comment: This sequence change replaces isoleucine, which is neutral and non-polar, with threonine, which is neutral and polar, at codon 252 of the SOS1 protein (p.Ile252Thr). This variant is present in population databases (rs142094234, gnomAD 0.03%), and has an allele count higher than expected for a pathogenic variant. This missense change has been observed in individuals with clinical features of Noonan syndrome (PMID: 21387466, 23756559, 25712082, 37019085, 37217689). ClinVar contains an entry for this variant (Variation ID: 496312). Invitae Evidence Modeling of protein sequence and biophysical properties (such as structural, functional, and spatial information, amino acid conservation, physicochemical variation, residue mobility, and thermodynamic stability) indicates that this missense variant is expected to disrupt SOS1 protein function with a positive predictive value of 95%. Experimental studies have shown that this missense change affects SOS1 function (PMID: 23487764, 25712082). In summary, the currently available evidence indicates that the variant is pathogenic, but additional data are needed to prove that conclusively. Therefore, this variant has been classified as Likely Pathogenic.

GeneDx
Classification: Uncertain significance. Last evaluated: 2025-09-05. Review status: criteria provided, single submitter. Criteria: GeneDx Variant Classification Process June 2021. Collection method: clinical testing. Allele origin: germline. Affected: yes.
Comment: Identified in patients with Noonan syndrome in published literature; this variant was also identified in other mildly affected family members (PMID: 25712082, 31368652); Missense variants in this gene are a common cause of disease and they are underrepresented in the general population; In silico analysis supports that this missense variant has a deleterious effect on protein structure/function; This variant is associated with the following publications: (PMID: 24451042, 30050098, 29907801, 21387466, 24803665, 23756559, 32065515, 34426522, 33446575, 29554876, 29493581, Toksoy2021[Case report], 23487764, 25712082, 36611340, 31847883, 34269737, 31368652, 37019085, Bianco2024[Article], 37217689)

Dasa
Classification: Uncertain significance. Last evaluated: 2025-06-21. Review status: criteria provided, single submitter. Criteria: DASA Assertion Criteria. Collection method: clinical testing. Allele origin: germline.
Comment: NM_005633.4(SOS1):c.755T>C (p.Ile252Thr) is a missense variant that results in the substitution of isoleucine with threonine. This variant has been recurrently observed in individuals with related phenotype (PMID: 23756559; PMID: 22253195; PMID: 21387466; PMID: 29554876; PMID: 25712082). Multiple computational predictions support a deleterious effect on the gene or gene product. The variant is present at low frequency in population datasets. Based on the available data, this variant is classified as variant of uncertain significance.

Ambry Genetics
Classification: Uncertain significance for Cardiovascular phenotype. Last evaluated: 2024-11-07. Review status: criteria provided, single submitter. Criteria: Ambry Variant Classification Scheme 2023. Collection method: clinical testing. Allele origin: germline.
Comment: The p.I252T variant (also known as c.755T>C), located in coding exon 6 of the SOS1 gene, results from a T to C substitution at nucleotide position 755. The isoleucine at codon 252 is replaced by threonine, an amino acid with similar properties. This variant has been detected in individuals or cohorts reported to have Noonan syndrome (NS) or NS-related features, including an individual also with hypertrophic cardiomyopathy; however, clinical details were limited in some cases, some reported cases may overlap, and additional molecular findings were detected in at least one case (Lepri F et al. Hum Mutat, 2011 Jul;32:760-72; Ferrero GB et al. Hum Mutat. 2012 Apr;33(4):703-9; Timeus F et al. Oncol Rep, 2013 Aug;30:553-9; Moncini S et al. Eur J Hum Genet, 2015 Nov;23:1531-7; Prasad A et al. BMC Med Genet, 2018 03;19:46Baban A et al. Am J Med Genet A, 2019 10;179:2083-2090; Leach NT et al. Genet Med, 2019 02;21:417-425). In one family, this variant segregated with variable NS features and carriers demonstrated differential allelic expression (Moncini S et al. Eur J Hum Genet, 2015 Nov;23:1531-7). In one functional study, this variant was reported to increase ERK phosphorylation; however, a second study did not detect increased ERK activation (Smith MJ et al. Proc Natl Acad Sci U S A, 2013 Mar;110:4574-9; Moncini S et al. Eur J Hum Genet, 2015 Nov;23:1531-7). This amino acid position is not well conserved in available vertebrate species. In addition, this alteration is predicted to be deleterious by in silico analysis. Since supporting evidence is limited at this time, the clinical significance of this alteration remains unclear.

Institute for Genomic Medicine (IGM) Clinical Laboratory, Nationwide Children's Hospital
Classification: Uncertain significance for Noonan syndrome 4. Last evaluated: 2024-09-28. Review status: criteria provided, single submitter. Criteria: ACMG Guidelines, 2015. Collection method: clinical testing. Allele origin: germline.
Comment: This variant has been reported at an elevated frequency in affected individuals/in multiple affected individuals in the literature (ACMG/AMP: PS4_Moderate). This variant is predicted to alter protein function or structure, or disrupt splicing by multiple in silico tools (ACMG/AMP: PP3).

Blueprint Genetics
Classification: Likely benign. Last evaluated: 2024-07-16. Review status: criteria provided, single submitter. Criteria: ACMG Guidelines, 2015. Collection method: clinical testing. Allele origin: germline.

St. Jude Molecular Pathology, St. Jude Children's Research Hospital
Classification: Uncertain significance for Noonan syndrome 4. Last evaluated: 2024-03-11. Review status: criteria provided, single submitter. Criteria: St. Jude Assertion Criteria 2020. Collection method: clinical testing. Allele origin: germline.
Comment: The SOS1 c.755T>C (p.Ile252Thr) missense change has a maximum subpopulation frequency of 0.026% in gnomAD v2.1.1. This variant occurs in a gene where missense variants are more likely to be damaging based on methods described by Lek et al. (PMID: 27535533) and the in silico tool REVEL predicts a deleterious effect on protein function. This variant has been reported in individuals with features suggestive of Noonan syndrome and/or individuals with mild Noonan syndrome phenotypes (PMID: 21387466, 22253195, 25712082, 31368652, 36611340, 37217689). In summary, the evidence currently available is insufficient to determine the clinical significance of this variant. It has therefore been classified as of uncertain significance.

CeGaT Center for Human Genetics Tuebingen
Classification: Uncertain significance. Last evaluated: 2022-07-01. Review status: criteria provided, single submitter. Criteria: CeGaT Center For Human Genetics Tuebingen Variant Classification Criteria Version 2. Collection method: clinical testing. Allele origin: germline. Affected: yes. Observed: 1 variant allele.
Comment: SOS1: PP1:Moderate, PS3:Moderate, PP3